The following is an entry in ClinVar:

NM_006186.4(NR4A2):c.941G>C (p.Arg314Pro)

Gene: NR4A2 (nuclear receptor subfamily 4 group A member 2; minus strand). Cytogenetic location: 2q24.1.
Variant type: single nucleotide variant.
Coding change: c.941G>C on transcript NM_006186.4 (MANE Select); coding-DNA position 941, G replaced by C.
Protein change: p.Arg314Pro; replaces arginine 314 with proline.
Molecular consequence: missense variant.
Genome position (GRCh38, 1-based): chr2:156,328,457, C>G on the plus strand (G>C on the coding strand, the complement: NR4A2 is on the minus strand). VCF-style: chr2-156328457-C-G. GRCh37 (hg19) VCF-style: chr2-157184969-C-G.
Other names: c.752G>C, p.Arg251Pro (NM_173173.3); short protein forms R251P, R314P.
Identifiers: ClinVar variation 3777591 (VCV003777591.1).

ClinVar aggregate classification (germline): Likely pathogenic (1 of 4 stars; one submission).

Submission:

GeneDx
Classification: Likely pathogenic. Last evaluated: 2024-10-09. Review status: criteria provided, single submitter. Criteria: GeneDx Variant Classification Process June 2021. Collection method: clinical testing. Allele origin: germline. Affected: yes.
Comment: Not observed at significant frequency in large population cohorts (gnomAD); In silico analysis supports that this missense variant has a deleterious effect on protein structure/function; Has not been previously published as pathogenic or benign to our knowledge